The following is an entry in ClinVar:

ClinVar aggregate classification (germline): Uncertain significance (1 of 4 stars; one submission).

gnomAD v4.1: 1 of 1,614,168 alleles (0.000062%); highest among the groups gnomAD compares: African/African-American, 0.0013%; no homozygotes.

Submission:

Mayo Clinic Laboratories, Mayo Clinic
Classification: Uncertain significance. Last evaluated: 2025-04-07. Review status: criteria provided, single submitter. Criteria: ACMG Guidelines, 2015. Collection method: clinical testing. Allele origin: germline. Observed: 1 variant allele.
Comment: BP4_strong, PM2_supporting

NM_001256071.3(RNF213):c.1763G>C (p.Arg588Thr)

Gene: RNF213 (ring finger protein 213; plus strand). Cytogenetic location: 17q25.3.
Variant type: single nucleotide variant.
Coding change: c.1763G>C on transcript NM_001256071.3 (MANE Select); coding-DNA position 1763, G replaced by C.
Protein change: p.Arg588Thr; replaces arginine 588 with threonine.
Molecular consequence: missense variant.
Genome position (GRCh38, 1-based): chr17:80,295,564, G>C. VCF-style: chr17-80295564-G-C. GRCh37 (hg19) VCF-style: chr17-78269364-G-C.
Other names: p.Arg588Thr; c.1910G>C, p.Arg637Thr (NM_001410195.1, NM_020914.5); c.1763G>C, p.Arg588Thr (NM_020954.4); short protein forms R588T, R637T.
Identifiers: ClinVar variation 4542228 (VCV004542228.1).